The following is an entry in ClinVar:

ClinVar aggregate classification (germline): Likely pathogenic (1 of 4 stars; one submission).

Conditions:
Autosomal recessive limb-girdle muscular dystrophy type 2E (LGMDR4). Also called: MUSCULAR DYSTROPHY, LIMB-GIRDLE, AUTOSOMAL RECESSIVE 4. Identifiers: Orphanet 119, MedGen C1858593, MONDO:0011423, OMIM 604286. Disease mechanism: Affects gamma-sarcoglycan and also disrupts the integrity of the entire sarcoglycan complex..

Submission:

Natera, Inc.
Classification: Likely pathogenic for Limb-girdle muscular dystrophy type 2E. Last evaluated: 2024-12-27. Review status: criteria provided, single submitter. Criteria: Natera Variant Classification Schema (03/2026). Collection method: clinical testing. Allele origin: germline.
Comment: The c.34C>T variant in SGCB is a nonsense variant predicted to introduce a stop codon at amino acid 12. This variant is expected to result in nonsense mediated decay, truncation, or a dysfunctional protein product. This variant is rare in the general population with a frequency below the threshold expected for the associated phenotype(s). Given the available evidence, this variant is classified as Likely Pathogenic.

NM_000232.5(SGCB):c.34C>T (p.Gln12Ter)

Gene: SGCB (sarcoglycan beta; minus strand). Cytogenetic location: 4q12.
Variant type: single nucleotide variant.
Coding change: c.34C>T on transcript NM_000232.5 (MANE Select); coding-DNA position 34, C replaced by T.
Protein change: p.Gln12Ter; replaces glutamine 12 with a stop codon.
Molecular consequence: nonsense. On other transcripts: 5 prime UTR variant (1), intron variant (1).
Genome position (GRCh38, 1-based): chr4:52,033,640, G>A on the plus strand (C>T on the coding strand, the complement: SGCB is on the minus strand). VCF-style: chr4-52033640-G-A. GRCh37 (hg19) VCF-style: chr4-52899806-G-A.
Other names: c.-374C>T (NM_001440520.1); c.34-3777C>T (NM_001440519.1); short protein forms Q12*.
Identifiers: ClinVar variation 4817946 (VCV004817946.1).
Genomic context (GRCh38, chr4:52,033,640, plus strand): 5'-CACTCCTTCTCTCAACAGCCTTCTCACGCATGGACTTCTTTACAGGACCATTGGAACTTT[G>A]CTAAAAATGAAATACAACATAATGGAACAGCTATACCCTCTCGTTTTGGTGCATTTATCT-3'